The following is an entry in ClinVar:

ClinVar aggregate classification (germline): Pathogenic (1 of 4 stars; one submission).

Allele frequency attached by ClinVar (database versions not stated): ExAC 0.00001.

Submission:

Labcorp Genetics (formerly Invitae), Labcorp
Classification: Pathogenic. Last evaluated: 2022-06-07. Review status: criteria provided, single submitter. Criteria: Invitae Variant Classification Sherloc (09022015). Collection method: clinical testing. Allele origin: germline.
Comment: This sequence change creates a premature translational stop signal (p.Gln982*) in the LRPPRC gene. It is expected to result in an absent or disrupted protein product. Loss-of-function variants in LRPPRC are known to be pathogenic (PMID: 26510951). This variant is present in population databases (rs749192795, gnomAD 0.0009%). This variant has not been reported in the literature in individuals affected with LRPPRC-related conditions. For these reasons, this variant has been classified as Pathogenic.

Literature cited by the submitters: PubMed 26510951.

NM_133259.4(LRPPRC):c.2944C>T (p.Gln982Ter)

Gene: LRPPRC (leucine rich pentatricopeptide repeat containing; minus strand). Cytogenetic location: 2p21.
Variant type: single nucleotide variant.
Coding change: c.2944C>T on transcript NM_133259.4 (MANE Select); coding-DNA position 2944, C replaced by T.
Protein change: p.Gln982Ter; replaces glutamine 982 with a stop codon.
Molecular consequence: nonsense.
Genome position (GRCh38, 1-based): chr2:43,918,351, G>A on the plus strand (C>T on the coding strand, the complement: LRPPRC is on the minus strand). VCF-style: chr2-43918351-G-A. GRCh37 (hg19) VCF-style: chr2-44145490-G-A.
Other names: short protein forms Q982*.
Identifiers: ClinVar variation 2003159 (VCV002003159.4), dbSNP rs749192795, ClinGen allele CA1638253.